The following is an entry in ClinVar:

NM_182916.3(TRNT1):c.609-98A>G

Gene: TRNT1 (tRNA nucleotidyl transferase 1; plus strand). Cytogenetic location: 3p26.2.
Variant type: single nucleotide variant.
Coding change: c.609-98A>G on transcript NM_182916.3 (MANE Select); 98 bases into the intron before coding-DNA position 609, A replaced by G.
Molecular consequence: intron variant.
Genome position (GRCh38, 1-based): chr3:3,146,332, A>G. VCF-style: chr3-3146332-A-G. GRCh37 (hg19) VCF-style: chr3-3188016-A-G.
Other names: NC_000003.11:g.3188016A>G; c.609-98A>G (NM_001367321.1, NM_001367323.1, NM_001367322.1 and 1 more transcripts).
Identifiers: ClinVar variation 1242565 (VCV001242565.6), dbSNP rs3762760, ClinGen allele CA15277597.
Genomic context (GRCh38, chr3:3,146,332, plus strand): 5'-ATGACCAGTTGCTTTCTAAGGTCCCTTCTAGACCTAACTAATTATATGTTGTTTTCATTA[A>G]GCAGATGTATGGGATAGTACCAATAAAAATGAAAAACAGATTTTGCTTGTGATATGCCAA-3'

ClinVar aggregate classification (germline): Benign. Review status: criteria provided, multiple submitters, no conflicts (2 of 4 stars). 3 submissions from 3 submitters: Benign (3). Last evaluated 2024-01-24.

Allele frequency attached by ClinVar (database versions not stated): gnomAD 0.19484 and 0.20861; TOPMed 0.20697; 1000 Genomes Project 30x 0.32214; 1000 Genomes Project 0.33347.
gnomAD v4.1: 184,150 of 844,550 alleles (22%); highest among the groups gnomAD compares: East Asian, 73%; 26,754 homozygotes.

Submissions (8):

Unidad de Genómica Garrahan, Hospital de Pediatría Garrahan
Classification: Benign. Last evaluated: 2024-01-24. Review status: criteria provided, single submitter. Criteria: ACMG Guidelines, 2015. Collection method: clinical testing. Allele origin: germline. Affected: no. Observed: 22 variant alleles.
Comment: This variant is classified as Benign based on local population frequency. This variant was detected in 23% of patients studied by a panel of primary immunodeficiencies. Number of patients: 22. Only high quality variants are reported.

GeneDx
Classification: Benign. Last evaluated: 2018-06-26. Review status: criteria provided, single submitter. Criteria: GeneDx Variant Classification Process June 2021. Collection method: clinical testing. Allele origin: germline. Affected: yes.

Breakthrough Genomics
Classification: Benign. Review status: criteria provided, single submitter. Criteria: ACMG Guidelines, 2015. Collection method: not provided. Allele origin: germline. Inheritance: Autosomal recessive inheritance. Affected: yes.

Dr. Peter K. Rogan Lab, Western University
No classification provided (evidence only). Condition: Malignant lymphoma, large B-cell, diffuse. Review status: no classification provided. Collection method: in vitro. Allele origin: not applicable. Functional consequence: skipped exon. Not counted in ClinVar's aggregate classification.

Dr. Peter K. Rogan Lab, Western University
No classification provided (evidence only). Condition: Malignant lymphoma, large B-cell, diffuse. Review status: no classification provided. Collection method: in vitro. Allele origin: not applicable. Functional consequence: retained intron. Not counted in ClinVar's aggregate classification.

Dr. Peter K. Rogan Lab, Western University
No classification provided (evidence only). Condition: Hepatocellular carcinoma. Review status: no classification provided. Collection method: in vitro. Allele origin: not applicable. Functional consequence: skipped exon. Not counted in ClinVar's aggregate classification.

Dr. Peter K. Rogan Lab, Western University
No classification provided (evidence only). Condition: Cholangiocarcinoma. Review status: no classification provided. Collection method: in vitro. Allele origin: not applicable. Functional consequence: skipped exon. Not counted in ClinVar's aggregate classification.

Dr. Peter K. Rogan Lab, Western University
No classification provided (evidence only). Condition: Uterine carcinosarcoma. Review status: no classification provided. Collection method: in vitro. Allele origin: not applicable. Functional consequence: retained intron. Not counted in ClinVar's aggregate classification.